The following is an entry in ClinVar:

ClinVar aggregate classification (germline): Uncertain significance (1 of 4 stars; one submission).

Submission:

Labcorp Genetics (formerly Invitae), Labcorp
Classification: Uncertain significance. Last evaluated: 2025-06-06. Review status: criteria provided, single submitter. Criteria: Invitae Variant Classification Sherloc (09022015). Collection method: clinical testing. Allele origin: germline.
Comment: This variant, c.305_310del, results in the deletion of 2 amino acid(s) of the ANK1 protein (p.Ala102_Asn103del), but otherwise preserves the integrity of the reading frame. This variant is not present in population databases (gnomAD no frequency). This variant has not been reported in the literature in individuals affected with ANK1-related conditions. Experimental studies and prediction algorithms are not available or were not evaluated, and the functional significance of this variant is currently unknown. In summary, the available evidence is currently insufficient to determine the role of this variant in disease. Therefore, it has been classified as a Variant of Uncertain Significance.

NM_000037.4(ANK1):c.305_310del (p.Ala102_Asn103del)

Gene: ANK1 (ankyrin 1; minus strand). Cytogenetic location: 8p11.21.
Variant type: Deletion.
Coding change: c.305_310del on transcript NM_000037.4 (MANE Select); coding-DNA positions 305 to 310, 6 bases deleted (CCAACG; older notation c.305_310delCCAACG).
Protein change: p.Ala102_Asn103del.
Molecular consequence: inframe deletion.
Genome position (GRCh38, 1-based): chr8:41,727,925-41,727,930, CGTTGG deleted on the plus strand (CCAACG on the coding strand, the reverse complement: ANK1 is on the minus strand); deleting any 6 consecutive bases within chr8:41,727,925-41,727,931 gives the same sequence; the c. name uses the placement nearest the transcript's 3' end. VCF-style (leftmost placement, unchanged base first): chr8-41727924-ACGTTGG-A. GRCh37 (hg19) VCF-style: chr8-41585442-ACGTTGG-A.
Other names: c.404_409del, p.Ala135_Asn136del (NM_001142446.2); c.305_310del, p.Ala102_Asn103del (NM_020475.3, NM_020476.3, NM_020477.3).
Identifiers: ClinVar variation 4720898 (VCV004720898.1).